The following is an entry in ClinVar:

NM_015178.3(RHOBTB2):c.1680C>T (p.Thr560=)

Gene: RHOBTB2 (Rho related BTB domain containing 2; plus strand). Cytogenetic location: 8p21.3.
Variant type: single nucleotide variant.
Coding change: c.1680C>T on transcript NM_015178.3 (MANE Select); coding-DNA position 1680, C replaced by T.
Protein change: p.Thr560=; no amino-acid change (threonine 560 retained).
Molecular consequence: synonymous variant.
Genome position (GRCh38, 1-based): chr8:23,010,597, C>T. VCF-style: chr8-23010597-C-T. GRCh37 (hg19) VCF-style: chr8-22868110-C-T.
Other names: c.1746C>T, p.Thr582= (NM_001160036.2); c.1701C>T, p.Thr567= (NM_001160037.2); c.1680C>T, p.Thr560= (NM_001374791.1).
Identifiers: ClinVar variation 1379038 (VCV001379038.10), dbSNP rs748360753, ClinGen allele CA4672734.

ClinVar aggregate classification (germline): Likely benign. Review status: criteria provided, multiple submitters, no conflicts (2 of 4 stars). 2 submissions from 2 submitters: Likely benign (2). Last evaluated 2026-05-01.

Allele frequency attached by ClinVar (database versions not stated): ExAC 0.00002; gnomAD exomes 0.00002; gnomAD 0.00003.
gnomAD v4.1: 27 of 1,614,006 alleles (0.0017%); highest among the groups gnomAD compares: South Asian, 0.012%; no homozygotes.

Submissions (2):

CeGaT Center for Human Genetics Tuebingen
Classification: Likely benign. Last evaluated: 2026-05-01. Review status: criteria provided, single submitter. Criteria: CeGaT Center For Human Genetics Tuebingen Variant Classification Criteria Version 2. Collection method: clinical testing. Allele origin: germline. Affected: yes. Observed: 1 variant allele.
Comment: RHOBTB2: BP4, BP7

Labcorp Genetics (formerly Invitae), Labcorp
Classification: Likely benign. Last evaluated: 2026-01-19. Review status: criteria provided, single submitter. Criteria: Invitae Variant Classification Sherloc (09022015). Collection method: clinical testing. Allele origin: germline.